The following is an entry in ClinVar:

NM_181523.3(PIK3R1):c.697C>T (p.Pro233Ser)

Gene: PIK3R1 (phosphoinositide-3-kinase regulatory subunit 1; plus strand). Cytogenetic location: 5q13.1.
Variant type: single nucleotide variant.
Coding change: c.697C>T on transcript NM_181523.3 (MANE Select); coding-DNA position 697, C replaced by T.
Protein change: p.Pro233Ser; replaces proline 233 with serine.
Molecular consequence: missense variant.
Genome position (GRCh38, 1-based): chr5:68,280,590, C>T. VCF-style: chr5-68280590-C-T. GRCh37 (hg19) VCF-style: chr5-67576418-C-T.
Other names: short protein forms P233S.
Identifiers: ClinVar variation 4785312 (VCV004785312.1).

ClinVar aggregate classification (germline): Uncertain significance (1 of 4 stars; one submission).

Conditions:
Agammaglobulinemia 7, autosomal recessive (AGM7). Also called: AGAMMAGLOBULINEMIA, AUTOSOMAL RECESSIVE, DUE TO PIK3R1 DEFECT. Identifiers: MedGen C3554689, MONDO:0014083, OMIM 615214.
SHORT syndrome. Also called: SHORT STATURE, HYPEREXTENSIBILITY, HERNIA, OCULAR DEPRESSION, RIEGER ANOMALY, AND TEETHING DELAY; LIPODYSTROPHY, PARTIAL, WITH RIEGER ANOMALY AND SHORT STATURE; PIK3R1-Related SHORT Syndrome. Identifiers: Orphanet 3163, MedGen C0878684, MONDO:0010026, OMIM 269880.
Immunodeficiency 36 with lymphoproliferation. Also called: Immunodeficiency 36; Activated PI3K Delta Syndrome Type 2 (APDS2); ACTIVATED PI3K-DELTA SYNDROME 2. Identifiers: Orphanet 397596, Orphanet 693681, MedGen C4014934, MONDO:0014453, OMIM 616005.

Submission:

Labcorp Genetics (formerly Invitae), Labcorp
Classification: Uncertain significance for SHORT syndrome; Immunodeficiency 36 with lymphoproliferation; Agammaglobulinemia 7, autosomal recessive. Last evaluated: 2025-06-15. Review status: criteria provided, single submitter. Criteria: Invitae Variant Classification Sherloc (09022015). Collection method: clinical testing. Allele origin: germline.
Comment: This sequence change replaces proline, which is neutral and non-polar, with serine, which is neutral and polar, at codon 233 of the PIK3R1 protein (p.Pro233Ser). This variant is not present in population databases (gnomAD no frequency). This variant has not been reported in the literature in individuals affected with PIK3R1-related conditions. An algorithm developed to predict the effect of missense changes on protein structure and function (PolyPhen-2) suggests that this variant is likely to be disruptive. In summary, the available evidence is currently insufficient to determine the role of this variant in disease. Therefore, it has been classified as a Variant of Uncertain Significance.